The following is an entry in ClinVar:

ClinVar aggregate classification (germline): Likely benign (1 of 4 stars; one submission).

gnomAD v4.1: 11 of 1,612,678 alleles (0.00068%); highest among the groups gnomAD compares: Admixed American, 0.005%; no homozygotes.

Submission:

Dasa
Classification: Likely benign. Last evaluated: 2025-11-25. Review status: criteria provided, single submitter. Criteria: DASA Assertion Criteria. Collection method: clinical testing. Allele origin: germline.
Comment: NM_152641.4(ARID2):c.1481A>C (p.His494Pro) is a missense variant that results in the substitution of histidine with proline. The variant context is inconsistent with a known disease-causing mechanism. Computational prediction algorithms are consistent with a benign effect. Therefore, based on the currently available evidence, this variant is classified as likely benign.

NM_152641.4(ARID2):c.1481A>C (p.His494Pro)

Gene: ARID2 (AT-rich interaction domain 2; plus strand). Cytogenetic location: 12q12.
Variant type: single nucleotide variant.
Coding change: c.1481A>C on transcript NM_152641.4 (MANE Select); coding-DNA position 1481, A replaced by C.
Protein change: p.His494Pro; replaces histidine 494 with proline.
Molecular consequence: missense variant.
Genome position (GRCh38, 1-based): chr12:45,839,479, A>C. VCF-style: chr12-45839479-A-C. GRCh37 (hg19) VCF-style: chr12-46233262-A-C.
Other names: c.1481A>C, p.His494Pro (NM_001347839.2); short protein forms H494P.
Identifiers: ClinVar variation 4856946 (VCV004856946.2).